The following is an entry in ClinVar:

NM_000125.4(ESR1):c.1181G>A (p.Arg394His)

Gene: ESR1 (estrogen receptor 1; plus strand). Cytogenetic location: 6q25.1.
Variant type: single nucleotide variant.
Coding change: c.1181G>A on transcript NM_000125.4 (MANE Select); coding-DNA position 1181, G replaced by A.
Protein change: p.Arg394His; replaces arginine 394 with histidine.
Molecular consequence: missense variant.
Genome position (GRCh38, 1-based): chr6:152,011,740, G>A. VCF-style: chr6-152011740-G-A. GRCh37 (hg19) VCF-style: chr6-152332875-G-A.
Other names: c.1181G>A, p.Arg394His (NM_001122740.2, NM_001122741.2, NM_001122742.2 and 5 more transcripts); c.1187G>A, p.Arg396His (NM_001291230.2); c.1178G>A, p.Arg393His (NM_001291241.2); c.662G>A, p.Arg221His (NM_001328100.2); short protein forms R394H, R393H, R221H, R396H.
Identifiers: ClinVar variation 430713 (VCV000430713.2), dbSNP rs1131692059, ClinGen allele CA16609296.

ClinVar aggregate classification (germline): Pathogenic/Likely pathogenic. Review status: no assertion criteria provided (0 of 4 stars). 2 submissions from 2 submitters: Pathogenic (1); Likely pathogenic (1). Last evaluated 2018-12-03.

Conditions:
Estrogen resistance syndrome. Also called: ESTROGEN INSENSITIVITY; Estrogen resistance. Identifiers: Orphanet 785, MedGen C3809250, MONDO:0014148, OMIM 615363.

Allele frequency attached by ClinVar (database versions not stated): gnomAD exomes below 0.00001.

Submissions (2):

OMIM
Classification: Pathogenic for ESTROGEN RESISTANCE. Last evaluated: 2018-12-03. Review status: no assertion criteria provided. Collection method: literature only. Allele origin: germline.

SIB Swiss Institute of Bioinformatics
Classification: Likely pathogenic for Estrogen resistance syndrome. Last evaluated: 2017-03-24. Review status: no assertion criteria provided. Collection method: literature only. Allele origin: inherited. Inheritance: Autosomal recessive inheritance. Affected: yes. Observed: 6 variant alleles, 3 heterozygotes, 3 homozygotes.
Comment: The variant is absent from the ExAC database, it consegregates with disease phenotype, it is highly conserved and located in the steroid binding region of the estrogen receptor. It is predicted to be disease causing by MutationTaster. Functional studies show decreased estrogen receptor activity.

Literature cited by the submitters: PubMed 27754803 (cited by OMIM and SIB Swiss Institute of Bioinformatics).